The following is an entry in ClinVar:

ClinVar aggregate classification (germline): Uncertain significance (1 of 4 stars; one submission).

Conditions:
Malignant hyperthermia, susceptibility to, 5 (MHS5). Also called: CACNA1S-Related Malignant Hyperthermia Susceptibility. Identifiers: Orphanet 423, MedGen C1866077, MONDO:0011163, OMIM 601887.

gnomAD v4.1: 3 of 1,613,882 alleles (0.00019%); highest among the groups gnomAD compares: Non-Finnish European, 0.00017%; no homozygotes.

Submission:

All of Us Research Program, National Institutes of Health
Classification: Uncertain significance for Malignant hyperthermia, susceptibility to, 5. Last evaluated: 2024-08-06. Review status: criteria provided, single submitter. Criteria: ACMG Guidelines, 2015. Collection method: clinical testing. Allele origin: germline. Inheritance: Autosomal dominant inheritance. Observed: 2 variant alleles, 2 heterozygotes.
Comment: This missense variant replaces lysine with glutamic acid at codon 1022 of the CACNA1S protein. Computational prediction suggests that this variant may not impact protein structure and function (internally defined REVEL score threshold <= 0.5, PMID: 27666373). To our knowledge, functional studies have not been reported for this variant. This variant has not been reported in individuals affected with CACNA1S-related disorders in the literature. This variant has been identified in 1/31388 chromosomes in the general population by the Genome Aggregation Database (gnomAD). The available evidence is insufficient to determine the role of this variant in disease conclusively. Therefore, this variant is classified as a Variant of Uncertain Significance.

This study involves interpretation of variants in research participants for the purpose of population health screening. Participant phenotype was not available at the time of variant classification. Additional details can be found in publication PMID: 35346344, PMCID: PMC8962531

NM_000069.3(CACNA1S):c.3064A>G (p.Lys1022Glu)

Gene: CACNA1S (calcium voltage-gated channel subunit alpha1 S; minus strand). Cytogenetic location: 1q32.1.
Variant type: single nucleotide variant.
Coding change: c.3064A>G on transcript NM_000069.3 (MANE Select); coding-DNA position 3064, A replaced by G.
Protein change: p.Lys1022Glu; replaces lysine 1022 with glutamic acid.
Molecular consequence: missense variant.
Genome position (GRCh38, 1-based): chr1:201,061,458, T>C on the plus strand (A>G on the coding strand, the complement: CACNA1S is on the minus strand). VCF-style: chr1-201061458-T-C. GRCh37 (hg19) VCF-style: chr1-201030586-T-C.
Other names: short protein forms K1022E.
Identifiers: ClinVar variation 3386339 (VCV003386339.1).